The following is an entry in ClinVar:

NM_022168.4(IFIH1):c.2198C>T (p.Ala733Val)

Gene: IFIH1 (interferon induced with helicase C domain 1; minus strand). Cytogenetic location: 2q24.2.
Variant type: single nucleotide variant.
Coding change: c.2198C>T on transcript NM_022168.4 (MANE Select); coding-DNA position 2198, C replaced by T.
Protein change: p.Ala733Val; replaces alanine 733 with valine.
Molecular consequence: missense variant.
Genome position (GRCh38, 1-based): chr2:162,276,793, G>A on the plus strand (C>T on the coding strand, the complement: IFIH1 is on the minus strand). VCF-style: chr2-162276793-G-A. GRCh37 (hg19) VCF-style: chr2-163133303-G-A.
Other names: short protein forms A733V.
Identifiers: ClinVar variation 1027274 (VCV001027274.10), dbSNP rs200251981, ClinGen allele CA1934268.

ClinVar aggregate classification (germline): Likely benign. Review status: criteria provided, multiple submitters, no conflicts (2 of 4 stars). 2 submissions from 2 submitters: Likely benign (2). Last evaluated 2026-02-10.

Conditions:
Aicardi-Goutieres syndrome 7 (AGS7). Identifiers: Orphanet 51, MedGen C3888244, MONDO:0014367, OMIM 615846.
Singleton-Merten syndrome 1 (SGMRT1). Also called: Widened medullary cavities of bone, aortic calcification, abnormal dentition, and muscular weakness; Syndrome of widened medullary cavities of the metacarpals and phalanges, aortic calcification and abnormal dentition. Identifiers: Orphanet 85191, MedGen C4225427, MONDO:0024535, OMIM 182250.

Allele frequency attached by ClinVar (database versions not stated): TOPMed 0.00005; ESP Exome Variant Server 0.00008; gnomAD exomes 0.00010; ExAC 0.00011; 1000 Genomes Project 30x 0.00031; 1000 Genomes Project 0.00040.
gnomAD v4.1: 196 of 1,613,960 alleles (0.012%); highest among the groups gnomAD compares: East Asian, 0.08%; no homozygotes.

Submissions (2):

Women's Health and Genetics/Laboratory Corporation of America, LabCorp
Classification: Likely benign. Last evaluated: 2026-02-10. Review status: criteria provided, single submitter. Criteria: LabCorp Variant Classification Summary - May 2015. Collection method: clinical testing. Allele origin: germline.
Comment: Variant summary: IFIH1 c.2198C>T (p.Ala733Val) results in a non-conservative amino acid change in the encoded protein sequence. Algorithms developed to predict the effect of missense changes on protein structure and function are either unavailable or do not agree on the potential impact of this missense change. The variant allele was found at a frequency of 0.00012 in 1606986 control chromosomes. The observed variant frequency exceeds the estimated maximal expected allele frequency for disease-causing variants in IFIH1. To our knowledge, no occurrence of c.2198C>T in individuals affected with IFIH1-related conditions and no experimental evidence demonstrating its impact on protein function have been reported. ClinVar contains an entry for this variant (Variation ID: 1027274). Based on the evidence outlined above, the variant was classified as likely benign.

Labcorp Genetics (formerly Invitae), Labcorp
Classification: Likely benign for Aicardi-Goutieres syndrome 7; Singleton-Merten syndrome 1. Last evaluated: 2025-12-21. Review status: criteria provided, single submitter. Criteria: Invitae Variant Classification Sherloc (09022015). Collection method: clinical testing. Allele origin: germline.